The following is an entry in ClinVar:

ClinVar aggregate classification (germline): Uncertain significance (1 of 4 stars; one submission).

Submission:

Labcorp Genetics (formerly Invitae), Labcorp
Classification: Uncertain significance. Last evaluated: 2023-10-28. Review status: criteria provided, single submitter. Criteria: Invitae Variant Classification Sherloc (09022015). Collection method: clinical testing. Allele origin: germline.
Comment: This sequence change replaces glutamine, which is neutral and polar, with histidine, which is basic and polar, at codon 385 of the AUTS2 protein (p.Gln385His). This variant is not present in population databases (gnomAD no frequency). This variant has not been reported in the literature in individuals affected with AUTS2-related conditions. Advanced modeling of protein sequence and biophysical properties (such as structural, functional, and spatial information, amino acid conservation, physicochemical variation, residue mobility, and thermodynamic stability) performed at Invitae indicates that this missense variant is not expected to disrupt AUTS2 protein function with a negative predictive value of 80%. In summary, the available evidence is currently insufficient to determine the role of this variant in disease. Therefore, it has been classified as a Variant of Uncertain Significance.

NM_015570.4(AUTS2):c.1155G>C (p.Gln385His)

Gene: AUTS2 (activator of transcription and developmental regulator AUTS2; plus strand). Cytogenetic location: 7q11.22.
Variant type: single nucleotide variant.
Coding change: c.1155G>C on transcript NM_015570.4 (MANE Select); coding-DNA position 1155, G replaced by C.
Protein change: p.Gln385His; replaces glutamine 385 with histidine.
Molecular consequence: missense variant.
Genome position (GRCh38, 1-based): chr7:70,763,282, G>C. VCF-style: chr7-70763282-G-C. GRCh37 (hg19) VCF-style: chr7-70228268-G-C.
Other names: c.1155G>C, p.Gln385His (NM_001127231.3); short protein forms Q385H.
Identifiers: ClinVar variation 2801326 (VCV002801326.3), dbSNP rs766396188, ClinGen allele CA367667950.